The following is an entry in ClinVar:

ClinVar aggregate classification (germline): Uncertain significance (1 of 4 stars; one submission).

Conditions:
Congenital disorder of deglycosylation (CDDG). Identifiers: MedGen C3808991, MONDO:0031376.

Allele frequency attached by ClinVar (database versions not stated): ExAC 0.00001; gnomAD exomes 0.00002; TOPMed 0.00002; gnomAD 0.00003 and 0.00004.
gnomAD v4.1: 51 of 1,613,356 alleles (0.0032%); highest among the groups gnomAD compares: Non-Finnish European, 0.004%; no homozygotes.

Submission:

Labcorp Genetics (formerly Invitae), Labcorp
Classification: Uncertain significance for Congenital disorder of deglycosylation. Last evaluated: 2024-08-09. Review status: criteria provided, single submitter. Criteria: Invitae Variant Classification Sherloc (09022015). Collection method: clinical testing. Allele origin: germline.
Comment: This sequence change replaces tyrosine, which is neutral and polar, with cysteine, which is neutral and slightly polar, at codon 603 of the NGLY1 protein (p.Tyr603Cys). This variant is present in population databases (rs777069327, gnomAD 0.004%). This variant has not been reported in the literature in individuals affected with NGLY1-related conditions. ClinVar contains an entry for this variant (Variation ID: 474217). Advanced modeling of protein sequence and biophysical properties (such as structural, functional, and spatial information, amino acid conservation, physicochemical variation, residue mobility, and thermodynamic stability) performed at Invitae indicates that this missense variant is not expected to disrupt NGLY1 protein function with a negative predictive value of 80%. In summary, the available evidence is currently insufficient to determine the role of this variant in disease. Therefore, it has been classified as a Variant of Uncertain Significance.

NM_018297.4(NGLY1):c.1808A>G (p.Tyr603Cys)

Gene: NGLY1 (N-glycanase 1; minus strand). Cytogenetic location: 3p24.2.
Variant type: single nucleotide variant.
Coding change: c.1808A>G on transcript NM_018297.4 (MANE Select); coding-DNA position 1808, A replaced by G.
Protein change: p.Tyr603Cys; replaces tyrosine 603 with cysteine.
Molecular consequence: missense variant.
Genome position (GRCh38, 1-based): chr3:25,719,617, T>C on the plus strand (A>G on the coding strand, the complement: NGLY1 is on the minus strand). VCF-style: chr3-25719617-T-C. GRCh37 (hg19) VCF-style: chr3-25761108-T-C.
Other names: c.1754A>G, p.Tyr585Cys (NM_001145293.2); c.1682A>G, p.Tyr561Cys (NM_001145294.2); c.1630A>G, p.Met544Val (NM_001145295.2); short protein forms Y603C, Y561C, Y585C, M544V.
Identifiers: ClinVar variation 474217 (VCV000474217.7), dbSNP rs777069327, ClinGen allele CA2289045.